The following is an entry in ClinVar:

NM_000548.5(TSC2):c.1444-33_1444-18del

Gene: TSC2 (TSC complex subunit 2; plus strand). Cytogenetic location: 16p13.3.
Variant type: Deletion.
Coding change: c.1444-33_1444-18del on transcript NM_000548.5 (MANE Select); 33 bases into the intron before coding-DNA position 1444 through 18 bases into the intron before coding-DNA position 1444, 16 bases deleted (TGGCGCTCATTGGCCT).
Molecular consequence: intron variant.
Genome position (GRCh38, 1-based): chr16:2,064,239-2,064,254, TGGCGCTCATTGGCCT deleted. VCF-style (leftmost placement, unchanged base first): chr16-2064238-CTGGCGCTCATTGGCCT-C. GRCh37 (hg19) VCF-style: chr16-2114239-CTGGCGCTCATTGGCCT-C.
Other names: c.100-33_100-18del (NM_001406693.1, NM_001406689.1, NM_001406690.1 and 6 more transcripts); c.1534-33_1534-18del (NM_001406667.1, NM_001406668.1); c.844-33_844-18del (NM_001406680.1, NM_001406683.1, NM_001406687.1 and 6 more transcripts); c.-159-33_-159-18del (NM_001406698.1); c.1444-33_1444-18del (NM_001114382.3, NM_001406663.1, NM_001406664.1 and 6 more transcripts); c.1432-33_1432-18del (NM_001406671.1, NM_001406673.1); c.982-33_982-18del (NM_001406681.1); c.1333-33_1333-18del (NM_001406670.1, NM_001318827.2, NM_001406678.1); and 3 more.
Identifiers: ClinVar variation 2744870 (VCV002744870.3), dbSNP rs2548568813, ClinGen allele CA2697549635.

ClinVar aggregate classification (germline): Uncertain significance (1 of 4 stars; one submission).

Conditions:
Tuberous sclerosis 2 (TSC2). Identifiers: Orphanet 805, MedGen C1860707, MONDO:0013199, OMIM 613254.

Submission:

Labcorp Genetics (formerly Invitae), Labcorp
Classification: Uncertain significance for Tuberous sclerosis 2. Last evaluated: 2023-07-19. Review status: criteria provided, single submitter. Criteria: Invitae Variant Classification Sherloc (09022015). Collection method: clinical testing. Allele origin: germline.
Comment: In summary, the available evidence is currently insufficient to determine the role of this variant in disease. Therefore, it has been classified as a Variant of Uncertain Significance. Algorithms developed to predict the effect of sequence changes on RNA splicing suggest that this variant may disrupt the consensus splice site. This variant has not been reported in the literature in individuals affected with TSC2-related conditions. This variant is not present in population databases (gnomAD no frequency). This sequence change falls in intron 14 of the TSC2 gene. It does not directly change the encoded amino acid sequence of the TSC2 protein.